The following is an entry in ClinVar:

ClinVar aggregate classification (germline): Pathogenic (1 of 4 stars; one submission).

Conditions:
Hypertrophic cardiomyopathy 26. Also called: Cardiomyopathy, familial hypertrophic, 26. Identifiers: Orphanet 75249, MedGen C4310749, MONDO:0014883, OMIM 617047.
Distal myopathy with posterior leg and anterior hand involvement. Also called: WILLIAMS DISTAL MYOPATHY. Identifiers: Orphanet 63273, MedGen C3279722, MONDO:0013550, OMIM 614065.
Myofibrillar myopathy 5. Also called: Filaminopathy (type); FILAMINOPATHY, AUTOSOMAL DOMINANT. Identifiers: Orphanet 171445, MedGen C1836050, MONDO:0012289, OMIM 609524.

Submission:

Labcorp Genetics (formerly Invitae), Labcorp
Classification: Pathogenic for Distal myopathy with posterior leg and anterior hand involvement; Myofibrillar myopathy 5; Hypertrophic cardiomyopathy 26. Last evaluated: 2017-12-26. Review status: criteria provided, single submitter. Criteria: Invitae Variant Classification Sherloc (09022015). Collection method: clinical testing. Allele origin: germline.
Comment: For these reasons, this variant has been classified as Pathogenic. Loss-of-function variants in FLNC are known to be pathogenic (PMID: 27908349). This variant has not been reported in the literature in individuals with FLNC-related disease. This variant is not present in population databases (ExAC no frequency). This sequence change creates a premature translational stop signal (p.Gln2432*) in the FLNC gene. It is expected to result in an absent or disrupted protein product.

Literature cited by the submitters: PubMed 27908349.

NM_001458.5(FLNC):c.7294C>T (p.Gln2432Ter)

Genes: FLNC (filamin C; plus strand), FLNC-AS1 (FLNC antisense RNA 1; minus strand). Cytogenetic location: 7q32.1.
Variant type: single nucleotide variant.
Coding change: c.7294C>T on transcript NM_001458.5 (MANE Select); coding-DNA position 7294, C replaced by T.
Protein change: p.Gln2432Ter; replaces glutamine 2432 with a stop codon.
Molecular consequence: nonsense.
Genome position (GRCh38, 1-based): chr7:128,856,560, C>T. VCF-style: chr7-128856560-C-T. GRCh37 (hg19) VCF-style: chr7-128496614-C-T.
Other names: c.7195C>T, p.Gln2399Ter (NM_001127487.2); short protein forms Q2432*, Q2399*.
Identifiers: ClinVar variation 478131 (VCV000478131.7), dbSNP rs1554401756, ClinGen allele CA369216620.